The following is an entry in ClinVar:

NM_001367479.1(DNAH14):c.12166A>C (p.Thr4056Pro)

Gene: DNAH14 (dynein axonemal heavy chain 14; plus strand). Cytogenetic location: 1q42.12.
Variant type: single nucleotide variant.
Coding change: c.12166A>C on transcript NM_001367479.1 (MANE Select); coding-DNA position 12166, A replaced by C.
Protein change: p.Thr4056Pro; replaces threonine 4056 with proline.
Molecular consequence: missense variant.
Genome position (GRCh38, 1-based): chr1:225,367,880, A>C. VCF-style: chr1-225367880-A-C. GRCh37 (hg19) VCF-style: chr1-225555582-A-C.
Other names: NM_001373.1:c.11887A>C; short protein forms T4056P.
Identifiers: ClinVar variation 3363672 (VCV003363672.1).

ClinVar aggregate classification (germline): Uncertain significance (1 of 4 stars; one submission).

gnomAD v4.1: 7 of 1,551,654 alleles (0.00045%); highest among the groups gnomAD compares: Admixed American, 0.012%; no homozygotes.

Submission:

GeneDx
Classification: Uncertain significance. Last evaluated: 2023-10-31. Review status: criteria provided, single submitter. Criteria: GeneDx Variant Classification Process June 2021. Collection method: clinical testing. Allele origin: germline. Affected: yes.
Comment: In silico analysis supports that this missense variant has a deleterious effect on protein structure/function; Has not been previously published as pathogenic or benign to our knowledge